The following is an entry in ClinVar:

NM_012123.4(MTO1):c.1504G>A (p.Glu502Lys)

Gene: MTO1 (mitochondrial tRNA translation optimization 1; plus strand). Cytogenetic location: 6q13.
Variant type: single nucleotide variant.
Coding change: c.1504G>A on transcript NM_012123.4 (MANE Select); coding-DNA position 1504, G replaced by A.
Protein change: p.Glu502Lys; replaces glutamic acid 502 with lysine.
Molecular consequence: missense variant.
Genome position (GRCh38, 1-based): chr6:73,482,487, G>A. VCF-style: chr6-73482487-G-A. GRCh37 (hg19) VCF-style: chr6-74192210-G-A.
Other names: c.1624G>A, p.Glu542Lys (NM_001123226.2); c.1579G>A, p.Glu527Lys (NM_133645.3); short protein forms E542K, E527K, E502K.
Identifiers: ClinVar variation 2051112 (VCV002051112.6), dbSNP rs767931529, ClinGen allele CA3889675.

ClinVar aggregate classification (germline): Uncertain significance. Review status: criteria provided, multiple submitters, no conflicts (2 of 4 stars). 3 submissions from 3 submitters: Uncertain significance (3). Last evaluated 2024-06-14.

Conditions:
Inborn genetic diseases. Identifiers: MedGen C0950123, MeSH D030342.
Mitochondrial hypertrophic cardiomyopathy with lactic acidosis due to MTO1 deficiency. Also called: Combined oxidative phosphorylation deficiency 10; CARDIOMYOPATHY, INFANTILE HYPERTROPHIC MITOCHONDRIAL, AND LACTIC ACIDOSIS. Identifiers: Orphanet 314637, MedGen C4749921, MONDO:0013865, OMIM 614702.

Allele frequency attached by ClinVar (database versions not stated): gnomAD exomes below 0.00001; ExAC 0.00001.
gnomAD v4.1: 2 of 1,613,430 alleles (0.00012%); highest among the groups gnomAD compares: African/African-American, 0.0013%; no homozygotes.

Submissions (3):

Blueprint Genetics
Classification: Uncertain significance. Last evaluated: 2024-06-14. Review status: criteria provided, single submitter. Criteria: ACMG Guidelines, 2015. Collection method: clinical testing. Allele origin: germline.

Labcorp Genetics (formerly Invitae), Labcorp
Classification: Uncertain significance for Mitochondrial hypertrophic cardiomyopathy with lactic acidosis due to MTO1 deficiency. Last evaluated: 2021-12-21. Review status: criteria provided, single submitter. Criteria: Invitae Variant Classification Sherloc (09022015). Collection method: clinical testing. Allele origin: germline.
Comment: In summary, the available evidence is currently insufficient to determine the role of this variant in disease. Therefore, it has been classified as a Variant of Uncertain Significance. Algorithms developed to predict the effect of missense changes on protein structure and function (SIFT, PolyPhen-2, Align-GVGD) all suggest that this variant is likely to be tolerated. This variant has not been reported in the literature in individuals affected with MTO1-related conditions. This variant is present in population databases (rs767931529, gnomAD 0.007%). This sequence change replaces glutamic acid, which is acidic and polar, with lysine, which is basic and polar, at codon 502 of the MTO1 protein (p.Glu502Lys).

Ambry Genetics
Classification: Uncertain significance for Inborn genetic diseases. Last evaluated: 2021-10-29. Review status: criteria provided, single submitter. Criteria: Ambry Variant Classification Scheme 2023. Collection method: clinical testing. Allele origin: germline.